The following is an entry in ClinVar:

NM_000171.4(GLRA1):c.896G>T (p.Arg299Leu)

Gene: GLRA1 (glycine receptor alpha 1; minus strand). Cytogenetic location: 5q33.1.
Variant type: single nucleotide variant.
Coding change: c.896G>T on transcript NM_000171.4 (MANE Select); coding-DNA position 896, G replaced by T.
Protein change: p.Arg299Leu; replaces arginine 299 with leucine.
Molecular consequence: missense variant.
Genome position (GRCh38, 1-based): chr5:151,851,406, C>A on the plus strand (G>T on the coding strand, the complement: GLRA1 is on the minus strand). VCF-style: chr5-151851406-C-A. GRCh37 (hg19) VCF-style: chr5-151230967-C-A.
Other names: R271L; G1192T; c.896G>T, p.Arg299Leu (NM_001146040.2); c.647G>T, p.Arg216Leu (NM_001292000.2); short protein forms R299L, R216L.
Identifiers: ClinVar variation 16060 (VCV000016060.12), dbSNP rs121918408, ClinGen allele CA341357.

ClinVar aggregate classification (germline): Pathogenic/Likely pathogenic. Review status: criteria provided, multiple submitters, no conflicts (2 of 4 stars). 4 submissions from 4 submitters: Pathogenic (1); Likely pathogenic (1). 2 of the submissions do not count toward it. Last evaluated 2024-03-29.

Conditions:
Hereditary hyperekplexia. Identifiers: Orphanet 3197, MedGen C4084968, MONDO:0021022.
Hyperekplexia 1 (STHE). Also called: STARTLE DISEASE, FAMILIAL; STIFF-BABY SYNDROME; STIFF-MAN SYNDROME, CONGENITAL; STIFF-PERSON SYNDROME, CONGENITAL; HYPEREKPLEXIA 1, AUTOSOMAL DOMINANT; HYPEREKPLEXIA 1, AUTOSOMAL RECESSIVE. Identifiers: Orphanet 3197, MedGen C4551954, MONDO:0007868, OMIM 149400.

Submissions (4):

GeneDx
Classification: Pathogenic. Last evaluated: 2024-03-29. Review status: criteria provided, single submitter. Criteria: GeneDx Variant Classification Process June 2021. Collection method: clinical testing. Allele origin: germline. Affected: yes.
Comment: Published functional studies demonstrate a damaging effect as R299L reduces agonist activity (PMID: 7925268, 7518444); In silico analysis supports that this missense variant has a deleterious effect on protein structure/function; Not observed at significant frequency in large population cohorts (gnomAD); This variant is associated with the following publications: (PMID: 28122427, 7518444, 9009272, 7826634, 8298642, 7925268)

Labcorp Genetics (formerly Invitae), Labcorp
Classification: Likely pathogenic for Hereditary hyperekplexia. Last evaluated: 2024-03-25. Review status: criteria provided, single submitter. Criteria: Invitae Variant Classification Sherloc (09022015). Collection method: clinical testing. Allele origin: germline.
Comment: This sequence change replaces arginine, which is basic and polar, with leucine, which is neutral and non-polar, at codon 299 of the GLRA1 protein (p.Arg299Leu). This variant is not present in population databases (gnomAD no frequency). This missense change has been observed in individuals with autosomal dominant hyperekplexia (PMID: 8298642; Invitae). This variant is also known as p.Arg271Leu. ClinVar contains an entry for this variant (Variation ID: 16060). Advanced modeling of protein sequence and biophysical properties (such as structural, functional, and spatial information, amino acid conservation, physicochemical variation, residue mobility, and thermodynamic stability) has been performed at Invitae for this missense variant, however the output from this modeling did not meet the statistical confidence thresholds required to predict the impact of this variant on GLRA1 protein function. Experimental studies have shown that this missense change affects GLRA1 function (PMID: 7518444). This variant disrupts the p.Arg299 amino acid residue in GLRA1. Other variant(s) that disrupt this residue have been determined to be pathogenic (PMID: 8298642, 8733061, 19073849, 28122427, 28138086). This suggests that this residue is clinically significant, and that variants that disrupt this residue are likely to be disease-causing. In summary, the currently available evidence indicates that the variant is pathogenic, but additional data are needed to prove that conclusively. Therefore, this variant has been classified as Likely Pathogenic.

GeneReviews
Classification: Pathogenic for Hyperekplexia. Last evaluated: 2012-10-04. Review status: no assertion criteria provided. Collection method: curation. Allele origin: unknown. Not counted in ClinVar's aggregate classification.
ClinVar note: Converted during submission from pathologic to Pathogenic.

OMIM
Classification: Pathogenic for HYPEREKPLEXIA 1, AUTOSOMAL DOMINANT. Last evaluated: 1994-07-22. Review status: no assertion criteria provided. Collection method: literature only. Allele origin: germline. Not counted in ClinVar's aggregate classification.

Literature cited by the submitters: PubMed 8298642 (cited by Labcorp Genetics (formerly Invitae), Labcorp and OMIM); PubMed 7518444 (cited by Labcorp Genetics (formerly Invitae), Labcorp and OMIM); PubMed 8733061 (cited by Labcorp Genetics (formerly Invitae), Labcorp); PubMed 19073849 (cited by Labcorp Genetics (formerly Invitae), Labcorp); PubMed 28122427 (cited by Labcorp Genetics (formerly Invitae), Labcorp); PubMed 28138086 (cited by Labcorp Genetics (formerly Invitae), Labcorp); PubMed 1334371 (cited by OMIM).